The following is an entry in ClinVar:

ClinVar aggregate classification (germline): Uncertain significance (1 of 4 stars; one submission).

Allele frequency attached by ClinVar (database versions not stated): ExAC 0.00001; gnomAD 0.00001; gnomAD exomes 0.00001; TOPMed 0.00001.
gnomAD v4.1: 19 of 1,553,248 alleles (0.0012%); highest among the groups gnomAD compares: Admixed American, 0.0017%; no homozygotes.

Submission:

Labcorp Genetics (formerly Invitae), Labcorp
Classification: Uncertain significance. Last evaluated: 2022-03-19. Review status: criteria provided, single submitter. Criteria: Invitae Variant Classification Sherloc (09022015). Collection method: clinical testing. Allele origin: germline.
Comment: Variants that disrupt the consensus splice site are a relatively common cause of aberrant splicing (PMID: 17576681, 9536098). Algorithms developed to predict the effect of sequence changes on RNA splicing suggest that this variant may disrupt the consensus splice site. In summary, the available evidence is currently insufficient to determine the role of this variant in disease. Therefore, it has been classified as a Variant of Uncertain Significance. This variant has not been reported in the literature in individuals affected with SI-related conditions. This sequence change falls in intron 46 of the SI gene. It does not directly change the encoded amino acid sequence of the SI protein. It affects a nucleotide within the consensus splice site. This variant is present in population databases (rs758942558, gnomAD 0.003%).

Literature cited by the submitters: PubMed 17576681; PubMed 9536098.

NM_001041.4(SI):c.5247+5G>A

Gene: SI (sucrase-isomaltase; minus strand). Cytogenetic location: 3q26.1.
Variant type: single nucleotide variant.
Coding change: c.5247+5G>A on transcript NM_001041.4 (MANE Select); 5 bases into the intron after coding-DNA position 5247, G replaced by A.
Molecular consequence: intron variant.
Genome position (GRCh38, 1-based): chr3:164,982,997, C>T on the plus strand (G>A on the coding strand, the complement: SI is on the minus strand). VCF-style: chr3-164982997-C-T. GRCh37 (hg19) VCF-style: chr3-164700785-C-T.
Identifiers: ClinVar variation 2096620 (VCV002096620.4), dbSNP rs758942558, ClinGen allele CA2689591.